The following is an entry in ClinVar:

ClinVar aggregate classification (germline): Uncertain significance (1 of 4 stars; one submission).

Conditions:
Stormorken syndrome (STRMK). Also called: THROMBOCYTOPATHY, ASPLENIA, AND MIOSIS. Identifiers: Orphanet 3204, MedGen C1861451, MONDO:0008497, OMIM 185070.
Combined immunodeficiency due to STIM1 deficiency. Also called: STIM1 DEFICIENCY; IMMUNODEFICIENCY 10. Identifiers: Orphanet 169090, Orphanet 317430, MedGen C2748557, MONDO:0013008, OMIM 612783.
Myopathy with tubular aggregates (TAM). Also called: Tubular Aggregate Myopathy. Identifiers: Orphanet 2593, MedGen C0410207, MONDO:0008051.

Submission:

Labcorp Genetics (formerly Invitae), Labcorp
Classification: Uncertain significance for Myopathy with tubular aggregates; Combined immunodeficiency due to STIM1 deficiency; Stormorken syndrome. Last evaluated: 2022-06-04. Review status: criteria provided, single submitter. Criteria: Invitae Variant Classification Sherloc (09022015). Collection method: clinical testing. Allele origin: germline.
Comment: This sequence change replaces proline, which is neutral and non-polar, with leucine, which is neutral and non-polar, at codon 576 of the STIM1 protein (p.Pro576Leu). In summary, the available evidence is currently insufficient to determine the role of this variant in disease. Therefore, it has been classified as a Variant of Uncertain Significance. Algorithms developed to predict the effect of missense changes on protein structure and function are either unavailable or do not agree on the potential impact of this missense change (SIFT: "Deleterious"; PolyPhen-2: "Probably Damaging"; Align-GVGD: "Class C0"). ClinVar contains an entry for this variant (Variation ID: 944046). This variant has not been reported in the literature in individuals affected with STIM1-related conditions. This variant is not present in population databases (gnomAD no frequency).

NM_001382567.1(STIM1):c.1820C>T (p.Pro607Leu)

Genes: STIM1 (stromal interaction molecule 1; plus strand), LOC124418421 (Sharpr-MPRA regulatory region 9588; plus strand). Cytogenetic location: 11p15.4.
Variant type: single nucleotide variant.
Coding change: c.1820C>T on transcript NM_001382567.1 (MANE Select); coding-DNA position 1820, C replaced by T.
Protein change: p.Pro607Leu; replaces proline 607 with leucine.
Molecular consequence: missense variant. On other transcripts: 3 prime UTR variant (4), non-coding transcript variant (3).
Genome position (GRCh38, 1-based): chr11:4,091,467, C>T. VCF-style: chr11-4091467-C-T. GRCh37 (hg19) VCF-style: chr11-4112697-C-T.
Other names: c.2045C>T, p.Pro682Leu (NM_001277961.3); c.*141C>T (NM_001277962.2, NM_001382578.1, NM_001382579.1 and 1 more transcripts); c.1823C>T, p.Pro608Leu (NM_001382566.1); c.1748C>T, p.Pro583Leu (NM_001382568.1); c.1592C>T, p.Pro531Leu (NM_001382569.1); c.1499C>T, p.Pro500Leu (NM_001382570.1); c.1247C>T, p.Pro416Leu (NM_001382571.1); c.1505C>T, p.Pro502Leu (NM_001382575.1, NM_001382576.1, NM_001382577.1); and 2 more; short protein forms P413L, P500L, P608L, P531L, P576L, P607L, P583L, P682L.
Identifiers: ClinVar variation 944046 (VCV000944046.10), dbSNP rs2094524774, ClinGen allele CA379197123.
Genomic context (GRCh38, chr11:4,091,467, plus strand): 5'-GCCACCGGCTGATCGAGGGGGTCCACCCAGGGTCTCTGGTGGAGAAACTGCCTGACAGCC[C>T]TGCCCTGGCCAAGAAGGCATTACTGGCGCTGAACCATGGGCTGGACAAGGCCCACAGCCT-3'
Protein context (NP_001369496.1, residues 597-617): GSLVEKLPDS[Pro607Leu]ALAKKALLAL